The following is an entry in ClinVar:

ClinVar aggregate classification (germline): Likely benign. Review status: criteria provided, single submitter (1 of 4 stars). 2 submissions from 2 submitters: Likely benign (1). 1 of the submissions does not count toward it. Last evaluated 2025-12-30.

Conditions:
FREM1-related disorder. Also called: FREM1-Related Disorders; FREM1-related condition.

Allele frequency attached by ClinVar (database versions not stated): TOPMed 0.00001; gnomAD exomes 0.00002; gnomAD 0.00003; ExAC 0.00018; 1000 Genomes Project 30x 0.00031; 1000 Genomes Project 0.00040.
gnomAD v4.1: 38 of 1,555,518 alleles (0.0024%); highest among the groups gnomAD compares: South Asian, 0.026%; no homozygotes.

Submissions (2):

Labcorp Genetics (formerly Invitae), Labcorp
Classification: Likely benign. Last evaluated: 2025-12-30. Review status: criteria provided, single submitter. Criteria: Invitae Variant Classification Sherloc (09022015). Collection method: clinical testing. Allele origin: germline.

PreventionGenetics, part of Exact Sciences
Classification: Likely benign for FREM1-related condition. Last evaluated: 2019-10-14. Review status: no assertion criteria provided. Collection method: clinical testing. Allele origin: germline. Not counted in ClinVar's aggregate classification.
Comment: This variant is classified as likely benign based on ACMG/AMP sequence variant interpretation guidelines (Richards et al. 2015 PMID: 25741868, with internal and published modifications).

NM_001379081.2(FREM1):c.2079-4T>G

Gene: FREM1 (FRAS1 related extracellular matrix 1; minus strand). Cytogenetic location: 9p22.3.
Variant type: single nucleotide variant.
Coding change: c.2079-4T>G on transcript NM_001379081.2 (MANE Select); 4 bases into the intron before coding-DNA position 2079, T replaced by G.
Molecular consequence: intron variant.
Genome position (GRCh38, 1-based): chr9:14,824,119, A>C on the plus strand (T>G on the coding strand, the complement: FREM1 is on the minus strand). VCF-style: chr9-14824119-A-C. GRCh37 (hg19) VCF-style: chr9-14824117-A-C.
Other names: c.2079-4T>G (NM_144966.5, NM_144966.7).
Identifiers: ClinVar variation 2200726 (VCV002200726.6), dbSNP rs377078249, ClinGen allele CA4991041.
Genomic context (GRCh38, chr9:14,824,119, plus strand): 5'-TTCTTAACTACTTTTGGTATGCTGTCCACCATAAATAATTTCCCAGCATCCAAGTGTCTA[A>C]AGAGAAATACAGAGGAGCACATCAGCTCATTTTTAGGTAAGAAAAATGAAATCGAATAGC-3'